The following is an entry in ClinVar:

ClinVar aggregate classification (germline): Uncertain significance. Review status: criteria provided, multiple submitters, no conflicts (2 of 4 stars). 3 submissions from 3 submitters: Uncertain significance (3). Last evaluated 2022-09-08.

Conditions:
Autosomal dominant hypocalcemia 1 (HYPOC1). Also called: HYPOCALCEMIA, FAMILIAL. Identifiers: MedGen C3715128, MONDO:0011013, OMIM 601198.
Familial hypocalciuric hypercalcemia (FHH). Also called: Familial benign hypercalcemia. Identifiers: Orphanet 405, MedGen C1809471, MONDO:0018458.
Nephrolithiasis/nephrocalcinosis. Identifiers: MedGen CN580796.

Allele frequency attached by ClinVar (database versions not stated): gnomAD exomes below 0.00001.
gnomAD v4.1: 2 of 1,614,082 alleles (0.00012%); highest among the groups gnomAD compares: Non-Finnish European, 0.00017%; no homozygotes.

Submissions (3):

Mayo Clinic Laboratories, Mayo Clinic
Classification: Uncertain significance. Last evaluated: 2022-09-08. Review status: criteria provided, single submitter. Criteria: ACMG Guidelines, 2015. Collection method: clinical testing. Allele origin: germline. Observed: 1 variant allele.
Comment: PP2, PM2_supporting

Ambry Genetics
Classification: Uncertain significance for Nephrolithiasis/nephrocalcinosis. Last evaluated: 2022-06-21. Review status: criteria provided, single submitter. Criteria: Ambry Variant Classification Scheme 2023. Collection method: clinical testing. Allele origin: germline.
Comment: The p.H359L variant (also known as c.1076A>T), located in coding exon 3 of the CASR gene, results from an A to T substitution at nucleotide position 1076. The histidine at codon 359 is replaced by leucine, an amino acid with similar properties. This amino acid position is conserved. In addition, the in silico prediction for this alteration is inconclusive. Since supporting evidence is limited at this time, the clinical significance of this alteration remains unclear.

Labcorp Genetics (formerly Invitae), Labcorp
Classification: Uncertain significance for Familial hypocalciuric hypercalcemia; Autosomal dominant hypocalcemia 1. Last evaluated: 2021-12-06. Review status: criteria provided, single submitter. Criteria: Invitae Variant Classification Sherloc (09022015). Collection method: clinical testing. Allele origin: germline.
Comment: In summary, the available evidence is currently insufficient to determine the role of this variant in disease. Therefore, it has been classified as a Variant of Uncertain Significance. Algorithms developed to predict the effect of missense changes on protein structure and function are either unavailable or do not agree on the potential impact of this missense change (SIFT: "Deleterious"; PolyPhen-2: "Benign"; Align-GVGD: "Class C0"). ClinVar contains an entry for this variant (Variation ID: 640929). This variant has not been reported in the literature in individuals affected with CASR-related conditions. This variant is not present in population databases (gnomAD no frequency). This sequence change replaces histidine, which is basic and polar, with leucine, which is neutral and non-polar, at codon 359 of the CASR protein (p.His359Leu).

NM_000388.4(CASR):c.1076A>T (p.His359Leu)

Gene: CASR (calcium sensing receptor; plus strand). Cytogenetic location: 3q21.1.
Variant type: single nucleotide variant.
Coding change: c.1076A>T on transcript NM_000388.4 (MANE Select); coding-DNA position 1076, A replaced by T.
Protein change: p.His359Leu; replaces histidine 359 with leucine.
Molecular consequence: missense variant.
Genome position (GRCh38, 1-based): chr3:122,262,111, A>T. VCF-style: chr3-122262111-A-T. GRCh37 (hg19) VCF-style: chr3-121980958-A-T.
Other names: p.His359Leu; c.1076A>T, p.His359Leu (NM_001178065.2); short protein forms H359L.
Identifiers: ClinVar variation 640929 (VCV000640929.10), dbSNP rs1576859031, ClinGen allele CA354152539.
Genomic context (GRCh38, chr3:122,262,111, plus strand): 5'-CCAGGAAGTCTGTCCACAATGGTTTTGCCAAGGAGTTTTGGGAAGAAACATTTAACTGCC[A>T]CCTCCAAGAAGGTGCAAAAGGACCTTTACCTGTGGACACCTTTCTGAGAGGTCACGAAGA-3'
Protein context (NP_000379.3, residues 349-369): KEFWEETFNC[His359Leu]LQEGAKGPLP